The following is an entry in ClinVar:

NM_006218.4(PIK3CA):c.400C>G (p.Pro134Ala)

Gene: PIK3CA (phosphatidylinositol-4,5-bisphosphate 3-kinase catalytic subunit alpha; plus strand). Cytogenetic location: 3q26.32.
Variant type: single nucleotide variant.
Coding change: c.400C>G on transcript NM_006218.4 (MANE Select); coding-DNA position 400, C replaced by G.
Protein change: p.Pro134Ala; replaces proline 134 with alanine.
Molecular consequence: missense variant.
Genome position (GRCh38, 1-based): chr3:179,199,737, C>G. VCF-style: chr3-179199737-C-G. GRCh37 (hg19) VCF-style: chr3-178917525-C-G.
Other names: short protein forms P134A.
Identifiers: ClinVar variation 1736998 (VCV001736998.2), dbSNP rs750545881, ClinGen allele CA355273314.
Genomic context (GRCh38, chr3:179,199,737, plus strand): 5'-AATTTTATTAAAGGTTTTGCTATCGGCATGCCAGTGTGTGAATTTGATATGGTTAAAGAT[C>G]CAGAAGTACAGGACTTCCGAAGAAATATTCTGAACGTTTGTAAAGAAGCTGTGGATCTTA-3'
Protein context (NP_006209.2, residues 124-144): PVCEFDMVKD[Pro134Ala]EVQDFRRNIL

ClinVar aggregate classification (germline): Uncertain significance (1 of 4 stars; one submission).

Conditions:
Inborn genetic diseases. Identifiers: MedGen C0950123, MeSH D030342.

Submission:

Ambry Genetics
Classification: Uncertain significance for Inborn genetic diseases. Last evaluated: 2022-02-02. Review status: criteria provided, single submitter. Criteria: Ambry Variant Classification Scheme 2023. Collection method: clinical testing. Allele origin: germline.
Comment: The p.P134A variant (also known as c.400C>G), located in coding exon 2 of the PIK3CA gene, results from a C to G substitution at nucleotide position 400. The proline at codon 134 is replaced by alanine, an amino acid with highly similar properties. This amino acid position is conserved. In addition, this alteration is predicted to be tolerated by in silico analysis. Since supporting evidence is limited at this time, the clinical significance of this alteration remains unclear.